The following is an entry in ClinVar:

ClinVar aggregate classification (germline): Benign. Review status: criteria provided, multiple submitters, no conflicts (2 of 4 stars). 6 submissions from 4 submitters: Benign (6). Last evaluated 2024-01-24.

Conditions:
Stormorken syndrome (STRMK). Also called: THROMBOCYTOPATHY, ASPLENIA, AND MIOSIS. Identifiers: Orphanet 3204, MedGen C1861451, MONDO:0008497, OMIM 185070.
Myopathy, tubular aggregate, 1 (TAM1). Identifiers: MedGen C4011726, MONDO:0024531, OMIM 160565.
Combined immunodeficiency due to STIM1 deficiency. Also called: STIM1 DEFICIENCY; IMMUNODEFICIENCY 10. Identifiers: Orphanet 169090, Orphanet 317430, MedGen C2748557, MONDO:0013008, OMIM 612783.

Allele frequency attached by ClinVar (database versions not stated): 1000 Genomes Project 30x 0.65272; TOPMed 0.66190; 1000 Genomes Project 0.66374; ESP Exome Variant Server 0.67641; gnomAD 0.67780 and 0.69161; ExAC 0.80830; gnomAD exomes 0.81261 and 0.86322.
gnomAD v4.1: 1,357,325 of 1,605,284 alleles (85%); highest among the groups gnomAD compares: South Asian, 91%; 588,921 homozygotes.

Submissions (6):

Unidad de Genómica Garrahan, Hospital de Pediatría Garrahan
Classification: Benign. Last evaluated: 2024-01-24. Review status: criteria provided, single submitter. Criteria: ACMG Guidelines, 2015. Collection method: clinical testing. Allele origin: germline. Affected: no. Observed: 91 variant alleles.
Comment: This variant is classified as Benign based on local population frequency. This variant was detected in 96% of patients studied by a panel of primary immunodeficiencies. Number of patients: 91. Only high quality variants are reported.

Genome-Nilou Lab
Classification: Benign for Combined immunodeficiency due to STIM1 deficiency. Last evaluated: 2021-07-15. Review status: criteria provided, single submitter. Criteria: ACMG Guidelines, 2015. Collection method: clinical testing. Allele origin: germline. Affected: no.

Genome-Nilou Lab
Classification: Benign for Myopathy, tubular aggregate, 1. Last evaluated: 2021-07-15. Review status: criteria provided, single submitter. Criteria: ACMG Guidelines, 2015. Collection method: clinical testing. Allele origin: germline. Affected: no.

Genome-Nilou Lab
Classification: Benign for Stormorken syndrome. Last evaluated: 2021-07-15. Review status: criteria provided, single submitter. Criteria: ACMG Guidelines, 2015. Collection method: clinical testing. Allele origin: germline. Affected: no.

GeneDx
Classification: Benign. Last evaluated: 2018-06-23. Review status: criteria provided, single submitter. Criteria: GeneDx Variant Classification Process June 2021. Collection method: clinical testing. Allele origin: germline. Affected: yes.

Breakthrough Genomics
Classification: Benign. Review status: criteria provided, single submitter. Criteria: ACMG Guidelines, 2015. Collection method: not provided. Allele origin: germline. Inheritance: Autosomal recessive inheritance. Affected: yes.

NM_001382567.1(STIM1):c.1138-25T>C

Gene: STIM1 (stromal interaction molecule 1; plus strand). Cytogenetic location: 11p15.4.
Variant type: single nucleotide variant.
Coding change: c.1138-25T>C on transcript NM_001382567.1 (MANE Select); 25 bases into the intron before coding-DNA position 1138, T replaced by C.
Molecular consequence: intron variant.
Genome position (GRCh38, 1-based): chr11:4,082,857, T>C. VCF-style: chr11-4082857-T-C. GRCh37 (hg19) VCF-style: chr11-4104087-T-C.
Other names: c.916-25T>C (NM_001382578.1, NM_001382575.1, NM_001382576.1 and 4 more transcripts); c.649-25T>C (NM_001382580.1, NM_001382581.1); c.1138-25T>C (NM_001382568.1, NM_001277962.2, NM_003156.4 and 1 more transcripts); c.910-25T>C (NM_001382570.1); c.1003-25T>C (NM_001382569.1); c.658-25T>C (NM_001382571.1).
Identifiers: ClinVar variation 1226429 (VCV001226429.8), dbSNP rs10767828, ClinGen allele CA5830405.
Genomic context (GRCh38, chr11:4,082,857, plus strand): 5'-GGCCCCAGCCATAGGGGAAGGCCTTTCTCATTTATTCCATTCTCGAATCCCTGCTCTTTT[T>C]GAGCTGGGGGCCTCATCTTTGCAGGCTGAGAAGATAAAAAAGAAGAGAAACACACTCTTT-3'